The following is an entry in ClinVar:

NM_000153.4(GALC):c.974dup (p.Met325fs)

Gene: GALC (galactosylceramidase; minus strand). Cytogenetic location: 14q31.3.
Variant type: Duplication.
Coding change: c.974dup on transcript NM_000153.4 (MANE Select); coding-DNA position 974, one base duplicated (T; older notation c.974dupT).
Protein change: p.Met325fs; shifts the reading frame from methionine 325.
Molecular consequence: frameshift variant. On other transcripts: non-coding transcript variant (1).
Genome position (GRCh38, 1-based): chr14:87,965,564, A duplicated on the plus strand (T on the coding strand, the reverse complement: GALC is on the minus strand). VCF-style (leftmost placement, unchanged base first): chr14-87965563-C-CA. GRCh37 (hg19) VCF-style: chr14-88431907-C-CA.
Other names: c.905dup, p.Met302fs (NM_001201401.2); c.896dup, p.Met299fs (NM_001201402.2); c.806dup, p.Met269fs (NM_001424071.1, NM_001424072.1, NM_001424073.1); c.626dup, p.Met209fs (NM_001424074.1, NM_001424075.1); c.341dup, p.Met114fs (NM_001424076.1, NM_001424077.1); short protein forms M114fs, M209fs, M269fs, M299fs, M302fs, M325fs.
Identifiers: ClinVar variation 5013811 (VCV005013811.1).

ClinVar aggregate classification (germline): Pathogenic (1 of 4 stars; one submission).

Conditions:
Galactosylceramide beta-galactosidase deficiency. Also called: GALACTOCEREBROSIDASE DEFICIENCY; GALC DEFICIENCY; GLOBOID CELL LEUKOENCEPHALOPATHY; Leukodystrophy, Globoid Cell; Krabbe Disease. Identifiers: Orphanet 487, MedGen C0023521, MONDO:0009499, OMIM 245200.

Submission:

Myriad Genetics, Inc.
Classification: Pathogenic for Galactosylceramide beta-galactosidase deficiency. Last evaluated: 2024-11-27. Review status: criteria provided, single submitter. Criteria: Myriad Autosomal Dominant, Autosomal Recessive and X-Linked Classification Criteria (2023). Collection method: clinical testing. Allele origin: unknown.
Comment: NM_000153.3(GALC):c.974dupT(M325Ifs*51) is expected to be pathogenic in the context of Krabbe disease. This variant is predicted to lead to an abnormal or absent protein product due to the creation of a premature termination codon in GALC, a gene where loss-of-function variants are known to be pathogenic. Please note: this variant was assessed in the context of healthy population screening.